The following is an entry in ClinVar:

ClinVar aggregate classification (germline): Uncertain significance. Review status: criteria provided, multiple submitters, no conflicts (2 of 4 stars). 2 submissions from 2 submitters: Uncertain significance (2). Last evaluated 2025-08-30.

Conditions:
Familial thoracic aortic aneurysm and aortic dissection (TAAD). Also called: Thoracic aortic aneurysms and dissections. Identifiers: Orphanet 91387, MedGen C4707243, MONDO:0019625.

Allele frequency attached by ClinVar (database versions not stated): gnomAD exomes below 0.00001; TOPMed below 0.00001; gnomAD 0.00001.
gnomAD v4.1: 9 of 1,613,622 alleles (0.00056%); highest among the groups gnomAD compares: South Asian, 0.0066%; no homozygotes.

Submissions (2):

Color Diagnostics, LLC DBA Color Health
Classification: Uncertain significance for Familial thoracic aortic aneurysm and aortic dissection. Last evaluated: 2025-08-30. Review status: criteria provided, single submitter. Criteria: ACMG Guidelines, 2015. Collection method: clinical testing. Allele origin: germline.
Comment: This missense variant replaces aspartic acid with asparagine at codon 2743 of the FBN1 protein. Computational prediction suggests that this variant may not impact protein structure and function. To our knowledge, functional studies have not been reported for this variant. This variant has not been reported in individuals affected with FBN1-related disorders in the literature. This variant has not been identified in the general population by the Genome Aggregation Database (gnomAD). The available evidence is insufficient to determine the role of this variant in disease conclusively. Therefore, this variant is classified as a Variant of Uncertain Significance.

Blueprint Genetics
Classification: Uncertain significance. Last evaluated: 2024-07-25. Review status: criteria provided, single submitter. Criteria: ACMG Guidelines, 2015. Collection method: clinical testing. Allele origin: germline.

NM_000138.5(FBN1):c.8227G>A (p.Asp2743Asn)

Gene: FBN1 (fibrillin 1; minus strand). Cytogenetic location: 15q21.1.
Variant type: single nucleotide variant.
Coding change: c.8227G>A on transcript NM_000138.5 (MANE Select); coding-DNA position 8227, G replaced by A.
Protein change: p.Asp2743Asn; replaces aspartic acid 2743 with asparagine.
Molecular consequence: missense variant.
Genome position (GRCh38, 1-based): chr15:48,411,379, C>T on the plus strand (G>A on the coding strand, the complement: FBN1 is on the minus strand). VCF-style: chr15-48411379-C-T. GRCh37 (hg19) VCF-style: chr15-48703576-C-T.
Other names: c.8227G>A, p.Asp2743Asn (NM_001406716.1); short protein forms D2743N.
Identifiers: ClinVar variation 2775395 (VCV002775395.4), dbSNP rs995277960, ClinGen allele CA269518602.